The following is an entry in ClinVar:

ClinVar aggregate classification (germline): Uncertain significance (1 of 4 stars; one submission).

Conditions:
Inborn genetic diseases. Identifiers: MedGen C0950123, MeSH D030342.

Submission:

Ambry Genetics
Classification: Uncertain significance for Inborn genetic diseases. Last evaluated: 2022-04-02. Review status: criteria provided, single submitter. Criteria: Ambry Variant Classification Scheme 2023. Collection method: clinical testing. Allele origin: germline.
Comment: The p.D72Y variant (also known as c.214G>T), located in coding exon 2 of the RAD51 gene, results from a G to T substitution at nucleotide position 214. The aspartic acid at codon 72 is replaced by tyrosine, an amino acid with highly dissimilar properties. This amino acid position is conserved. In addition, this alteration is predicted to be deleterious by in silico analysis. Since supporting evidence is limited at this time, the clinical significance of this alteration remains unclear.

NM_002875.5(RAD51):c.214G>T (p.Asp72Tyr)

Gene: RAD51 (RAD51 recombinase; plus strand). Cytogenetic location: 15q15.1.
Variant type: single nucleotide variant.
Coding change: c.214G>T on transcript NM_002875.5 (MANE Select); coding-DNA position 214, G replaced by T.
Protein change: p.Asp72Tyr; replaces aspartic acid 72 with tyrosine.
Molecular consequence: missense variant.
Genome position (GRCh38, 1-based): chr15:40,701,190, G>T. VCF-style: chr15-40701190-G-T. GRCh37 (hg19) VCF-style: chr15-40993388-G-T.
Other names: c.214G>T, p.Asp72Tyr (NM_001164269.2, NM_001164270.2, NM_133487.4); short protein forms D72Y.
Identifiers: ClinVar variation 1786729 (VCV001786729.2), dbSNP rs2504415492, ClinGen allele CA391746616.